The following is an entry in ClinVar:

NM_139057.4(ADAMTS17):c.441C>G (p.Ala147=)

Gene: ADAMTS17 (ADAM metallopeptidase with thrombospondin type 1 motif 17; minus strand). Cytogenetic location: 15q26.3.
Variant type: single nucleotide variant.
Coding change: c.441C>G on transcript NM_139057.4 (MANE Select); coding-DNA position 441, C replaced by G.
Protein change: p.Ala147=; no amino-acid change (alanine 147 retained).
Molecular consequence: synonymous variant.
Genome position (GRCh38, 1-based): chr15:100,341,048, G>C on the plus strand (C>G on the coding strand, the complement: ADAMTS17 is on the minus strand). VCF-style: chr15-100341048-G-C. GRCh37 (hg19) VCF-style: chr15-100881253-G-C.
Other names: p.Ala147=; c.441C>G (NM_139057.3).
Identifiers: ClinVar variation 315318 (VCV000315318.14), dbSNP rs375900400, ClinGen allele CA7758748.
Genomic context (GRCh38, chr15:100,341,048, plus strand): 5'-CTGCGTCGCAACAGACCGGACGGGCCGACCCGGAGGTGGCGCGGGCAGTACCAGGCCGCC[G>C]GCGGCGCCGCAGGCGCTGAGCGAGACGAGGGAGCCGGGGTGGCCGAGCACACGGCCCGAG-3'
Protein context (NP_620688.2, residues 137-157): SLVSLSACGA[Ala147=]GGLVGLIQLG

ClinVar aggregate classification (germline): Benign. Review status: criteria provided, multiple submitters, no conflicts (2 of 4 stars). 4 submissions from 4 submitters: Benign (4). Last evaluated 2026-02-04.

Conditions:
ADAMTS17-related disorder. Also called: ADAMTS17-related condition.
Weill-Marchesani 4 syndrome, recessive. Also called: Weill-Marchesani syndrome 4. Identifiers: Orphanet 363992, MedGen C2750787, MONDO:0013176, OMIM 613195.

Allele frequency attached by ClinVar (database versions not stated): TOPMed 0.00034; gnomAD exomes 0.00108 and 0.00324; 1000 Genomes Project 0.00120; 1000 Genomes Project 30x 0.00406; ExAC 0.01282.
gnomAD v4.1: 1,728 of 1,522,038 alleles (0.11%); highest among the groups gnomAD compares: South Asian, 1.7%; 23 homozygotes.

Submissions (4):

Labcorp Genetics (formerly Invitae), Labcorp
Classification: Benign. Last evaluated: 2026-02-04. Review status: criteria provided, single submitter. Criteria: Invitae Variant Classification Sherloc (09022015). Collection method: clinical testing. Allele origin: germline.

PreventionGenetics, part of Exact Sciences
Classification: Benign for ADAMTS17-related condition. Last evaluated: 2024-11-15. Review status: criteria provided, single submitter. Criteria: ACMG Guidelines, 2015. Collection method: clinical testing. Allele origin: germline.
Comment: This variant is classified as benign based on ACMG/AMP sequence variant interpretation guidelines (Richards et al. 2015 PMID: 25741868, with internal and published modifications).

Mayo Clinic Laboratories, Mayo Clinic
Classification: Benign. Last evaluated: 2023-03-28. Review status: criteria provided, single submitter. Criteria: ACMG Guidelines, 2015. Collection method: clinical testing. Allele origin: germline. Observed: 2 variant alleles.
Comment: BS1, BS2, BP4, BP7

Illumina Laboratory Services, Illumina
Classification: Benign for Weill-Marchesani 4 syndrome, recessive. Last evaluated: 2018-01-13. Review status: criteria provided, single submitter. Criteria: ICSL Variant Classification Criteria 13 December 2019. Collection method: clinical testing. Allele origin: germline.
Comment: This variant was observed in the ICSL laboratory as part of a predisposition screen in an ostensibly healthy population. It had not been previously curated by ICSL or reported in the Human Gene Mutation Database (HGMD: prior to June 1st, 2018), and was therefore a candidate for classification through an automated scoring system. Utilizing variant allele frequency, disease prevalence and penetrance estimates, and inheritance mode, an automated score was calculated to assess if this variant is too frequent to cause the disease. Based on the score and internal cut-off values, a variant classified as benign is not then subjected to further curation. The score for this variant resulted in a classification of benign for this disease.